The following is an entry in ClinVar:

ClinVar aggregate classification (germline): Uncertain significance (1 of 4 stars; one submission).

Conditions:
Familial thoracic aortic aneurysm and aortic dissection (TAAD). Also called: Thoracic aortic aneurysms and dissections. Identifiers: Orphanet 91387, MedGen C4707243, MONDO:0019625.

Submission:

Color Diagnostics, LLC DBA Color Health
Classification: Uncertain significance for Familial thoracic aortic aneurysm and aortic dissection. Last evaluated: 2024-03-06. Review status: criteria provided, single submitter. Criteria: ACMG Guidelines, 2015. Collection method: clinical testing. Allele origin: germline.
Comment: This missense variant replaces proline with alanine at codon 1578 of the FBN1 protein. Computational prediction suggests that this variant may have deleterious impact on protein structure and function (internally defined REVEL score threshold >= 0.7, PMID: 27666373). To our knowledge, functional studies have not been reported for this variant. This variant has not been reported in individuals affected with cardiovascular disorders in the literature. This variant has not been identified in the general population by the Genome Aggregation Database (gnomAD). The available evidence is insufficient to determine the role of this variant in disease conclusively. Therefore, this variant is classified as a Variant of Uncertain Significance.

NM_000138.5(FBN1):c.4732C>G (p.Pro1578Ala)

Gene: FBN1 (fibrillin 1; minus strand). Cytogenetic location: 15q21.1.
Variant type: single nucleotide variant.
Coding change: c.4732C>G on transcript NM_000138.5 (MANE Select); coding-DNA position 4732, C replaced by G.
Protein change: p.Pro1578Ala; replaces proline 1578 with alanine.
Molecular consequence: missense variant.
Genome position (GRCh38, 1-based): chr15:48,467,953, G>C on the plus strand (C>G on the coding strand, the complement: FBN1 is on the minus strand). VCF-style: chr15-48467953-G-C. GRCh37 (hg19) VCF-style: chr15-48760150-G-C.
Other names: short protein forms P1578A.
Identifiers: ClinVar variation 1331861 (VCV001331861.3), dbSNP rs2141272257, ClinGen allele CA392352759.